The following is an entry in ClinVar:

ClinVar aggregate classification (germline): Uncertain significance (1 of 4 stars; one submission).

Conditions:
Polycystic kidney disease 6 with or without polycystic liver disease. Also called: Autosomal Dominant Polycystic Kidney Disease-DNAJB11. Identifiers: MedGen C4748044, MONDO:0054842, OMIM 618061.

Submission:

MVZ Medizinische Genetik Mainz
Classification: Uncertain significance for Polycystic kidney disease 6 with or without polycystic liver disease. Last evaluated: 2025-11-04. Review status: criteria provided, single submitter. Criteria: UK Practice Guidelines For Variant Classification V4 01 2020. Collection method: clinical testing. Allele origin: germline. Inheritance: Autosomal dominant inheritance. Affected: yes. Observed: 1 variant allele.
Comment: ACMG Criteria: PM2_SUP,PP3,PP4

NM_016306.6(DNAJB11):c.323+5G>A

Gene: DNAJB11 (DnaJ heat shock protein family (Hsp40) member B11; plus strand). Cytogenetic location: 3q27.3.
Variant type: single nucleotide variant.
Coding change: c.323+5G>A on transcript NM_016306.6 (MANE Select); 5 bases into the intron after coding-DNA position 323, G replaced by A.
Molecular consequence: intron variant.
Genome position (GRCh38, 1-based): chr3:186,575,942, G>A. VCF-style: chr3-186575942-G-A. GRCh37 (hg19) VCF-style: chr3-186293731-G-A.
Other names: c.323+5G>A (NM_001378451.1).
Identifiers: ClinVar variation 4540416 (VCV004540416.1).